The following is an entry in ClinVar:

NM_001267550.2(TTN):c.25640-2A>G

Gene: TTN (titin; minus strand). Cytogenetic location: 2q31.2.
Variant type: single nucleotide variant.
Coding change: c.25640-2A>G on transcript NM_001267550.2 (MANE Select); the canonical splice acceptor site of the intron before coding-DNA position 25640, A replaced by G.
Molecular consequence: splice acceptor variant. On other transcripts: intron variant (3).
Genome position (GRCh38, 1-based): chr2:178,715,776, T>C on the plus strand (A>G on the coding strand, the complement: TTN is on the minus strand). VCF-style: chr2-178715776-T-C. GRCh37 (hg19) VCF-style: chr2-179580503-T-C.
Other names: c.13282+22306A>G (NM_003319.4); c.13858+22306A>G (NM_133437.4); c.13657+22306A>G (NM_133432.3); c.21908-2A>G (NM_133378.4); c.24689-2A>G (NM_001256850.1).
Identifiers: ClinVar variation 3750773 (VCV003750773.2).

ClinVar aggregate classification (germline): Likely pathogenic (1 of 4 stars; one submission).

Conditions:
Autosomal recessive limb-girdle muscular dystrophy type 2J (LGMDR10). Also called: Limb-girdle muscular dystrophy, type 2J; MUSCULAR DYSTROPHY, LIMB-GIRDLE, AUTOSOMAL RECESSIVE 10. Identifiers: Orphanet 140922, MedGen C1837342, MONDO:0012127, OMIM 608807.
Dilated cardiomyopathy 1G (CMD1G). Identifiers: Orphanet 154, MedGen C1858763, MONDO:0011400, OMIM 604145.

Submission:

Labcorp Genetics (formerly Invitae), Labcorp
Classification: Likely pathogenic for Dilated cardiomyopathy 1G; Autosomal recessive limb-girdle muscular dystrophy type 2J. Last evaluated: 2024-10-18. Review status: criteria provided, single submitter. Criteria: Invitae Variant Classification Sherloc (09022015). Collection method: clinical testing. Allele origin: germline.
Comment: This sequence change affects an acceptor splice site in intron 88 of the TTN gene. It is expected to disrupt RNA splicing and likely results in a truncated or disrupted TTN protein. This variant is not present in population databases (gnomAD no frequency). This variant has not been reported in the literature in individuals affected with TTN-related conditions. Algorithms developed to predict the effect of sequence changes on RNA splicing suggest that this variant may disrupt the consensus splice site. This variant is located in the I band of TTN (PMID: 25589632). Truncating variants in this region have been reported in individuals affected with autosomal recessive centronuclear myopathy (PMID: 23975875, internal data). Truncating variants in this region have also been identified in individuals affected with autosomal dominant dilated cardiomyopathy and/or cardio-related conditions (PMID: 27869827, 32964742, internal data). In summary, the currently available evidence indicates that the variant is pathogenic, but additional data are needed to prove that conclusively. Therefore, this variant has been classified as Likely Pathogenic.

Literature cited by the submitters: PubMed 25589632; PubMed 23975875; PubMed 27869827; PubMed 32964742.